The following is an entry in ClinVar:

NM_000237.3(LPL):c.975C>G (p.Ser325Arg)

Gene: LPL (lipoprotein lipase; plus strand). Cytogenetic location: 8p21.3.
Variant type: single nucleotide variant.
Coding change: c.975C>G on transcript NM_000237.3 (MANE Select); coding-DNA position 975, C replaced by G.
Protein change: p.Ser325Arg; replaces serine 325 with arginine.
Molecular consequence: missense variant.
Genome position (GRCh38, 1-based): chr8:19,956,040, C>G. VCF-style: chr8-19956040-C-G. GRCh37 (hg19) VCF-style: chr8-19813551-C-G.
Other names: short protein forms S325R.
Identifiers: ClinVar variation 2502783 (VCV002502783.1), dbSNP rs761265900, ClinGen allele CA4655565.
Genomic context (GRCh38, chr8:19,956,040, plus strand): 5'-TAGAAAGAACCGCTGCAACAATCTGGGCTATGAGATCAATAAAGTCAGAGCCAAAAGAAG[C>G]AGCAAAATGTACCTGAAGACTCGTTCTCAGATGCCCTACAAAGGTAGGCTGGAGACTGTT-3'
Protein context (NP_000228.1, residues 315-335): YEINKVRAKR[Ser325Arg]SKMYLKTRSQ

ClinVar aggregate classification (germline): Uncertain significance (1 of 4 stars; one submission).

Allele frequency attached by ClinVar (database versions not stated): gnomAD 0.00001; TOPMed 0.00001; ExAC 0.00002.
gnomAD v4.1: 3 of 1,614,038 alleles (0.00019%); highest among the groups gnomAD compares: East Asian, 0.0067%; no homozygotes.

Submission:

GeneDx
Classification: Uncertain significance. Last evaluated: 2022-11-20. Review status: criteria provided, single submitter. Criteria: GeneDx Variant Classification Process June 2021. Collection method: clinical testing. Allele origin: germline. Affected: yes.
Comment: Not observed at significant frequency in large population cohorts (gnomAD); In silico analysis supports that this missense variant has a deleterious effect on protein structure/function; This variant is associated with the following publications: (PMID: 27055971, 12204001, 32041611)